The following is an entry in ClinVar:

ClinVar aggregate classification (germline): Uncertain significance (1 of 4 stars; one submission).

Submission:

CeGaT Center for Human Genetics Tuebingen
Classification: Uncertain significance. Last evaluated: 2024-10-01. Review status: criteria provided, single submitter. Criteria: CeGaT Center For Human Genetics Tuebingen Variant Classification Criteria Version 2. Collection method: clinical testing. Allele origin: germline. Affected: yes. Observed: 1 variant allele.
Comment: MED12: PM2:Supporting, BP4

NM_005120.3(MED12):c.363T>C (p.Ala121=)

Gene: MED12 (mediator complex subunit 12; plus strand). Cytogenetic location: Xq13.1.
Variant type: single nucleotide variant.
Coding change: c.363T>C on transcript NM_005120.3 (MANE Select); coding-DNA position 363, T replaced by C.
Protein change: p.Ala121=; no amino-acid change (alanine 121 retained).
Molecular consequence: synonymous variant.
Genome position (GRCh38, 1-based): chrX:71,119,844, T>C. VCF-style: chrX-71119844-T-C. GRCh37 (hg19) VCF-style: chrX-70339694-T-C.
Identifiers: ClinVar variation 3389234 (VCV003389234.14).